The following is an entry in ClinVar:

NM_152703.5(SAMD9L):c.401C>T (p.Ser134Leu)

Gene: SAMD9L (sterile alpha motif domain containing 9 like; minus strand). Cytogenetic location: 7q21.2.
Variant type: single nucleotide variant.
Coding change: c.401C>T on transcript NM_152703.5 (MANE Select); coding-DNA position 401, C replaced by T.
Protein change: p.Ser134Leu; replaces serine 134 with leucine.
Molecular consequence: missense variant.
Genome position (GRCh38, 1-based): chr7:93,135,571, G>A on the plus strand (C>T on the coding strand, the complement: SAMD9L is on the minus strand). VCF-style: chr7-93135571-G-A. GRCh37 (hg19) VCF-style: chr7-92764884-G-A.
Other names: c.401C>T, p.Ser134Leu (NM_001303496.3, NM_001303497.3, NM_001303498.3 and 5 more transcripts); short protein forms S134L.
Identifiers: ClinVar variation 4842014 (VCV004842014.1).

ClinVar aggregate classification (germline): Uncertain significance (1 of 4 stars; one submission).

Conditions:
Inborn genetic diseases. Identifiers: MedGen C0950123, MeSH D030342.

Submission:

Ambry Genetics
Classification: Uncertain significance for Inborn genetic diseases. Last evaluated: 2025-12-23. Review status: criteria provided, single submitter. Criteria: Ambry Variant Classification Scheme 2023. Collection method: clinical testing. Allele origin: germline.
Comment: The p.S134L variant (also known as c.401C>T), located in coding exon 1 of the SAMD9L gene, results from a C to T substitution at nucleotide position 401. The serine at codon 134 is replaced by leucine, an amino acid with dissimilar properties. This amino acid position is conserved. In addition, this alteration is predicted to be tolerated by in silico analysis. Based on the available evidence, the clinical significance of this variant remains unclear.